The following is an entry in ClinVar:

ClinVar aggregate classification (germline): Uncertain significance (1 of 4 stars; one submission).

Allele frequency attached by ClinVar (database versions not stated): gnomAD exomes below 0.00001; gnomAD 0.00001; TOPMed 0.00001; 1000 Genomes Project 0.00020; 1000 Genomes Project 30x 0.00031.
gnomAD v4.1: 3 of 1,614,238 alleles (0.00019%); highest among the groups gnomAD compares: Admixed American, 0.0033%; no homozygotes.

Submission:

Labcorp Genetics (formerly Invitae), Labcorp
Classification: Uncertain significance. Last evaluated: 2024-11-11. Review status: criteria provided, single submitter. Criteria: Invitae Variant Classification Sherloc (09022015). Collection method: clinical testing. Allele origin: germline.
Comment: This sequence change replaces serine, which is neutral and polar, with cysteine, which is neutral and slightly polar, at codon 1731 of the KIDINS220 protein (p.Ser1731Cys). This variant is not present in population databases (gnomAD no frequency). This variant has not been reported in the literature in individuals affected with KIDINS220-related conditions. ClinVar contains an entry for this variant (Variation ID: 1931692). An algorithm developed to predict the effect of missense changes on protein structure and function (PolyPhen-2) suggests that this variant is likely to be disruptive. In summary, the available evidence is currently insufficient to determine the role of this variant in disease. Therefore, it has been classified as a Variant of Uncertain Significance.

NM_020738.4(KIDINS220):c.5191A>T (p.Ser1731Cys)

Gene: KIDINS220 (kinase D interacting substrate 220; minus strand). Cytogenetic location: 2p25.1.
Variant type: single nucleotide variant.
Coding change: c.5191A>T on transcript NM_020738.4 (MANE Select); coding-DNA position 5191, A replaced by T.
Protein change: p.Ser1731Cys; replaces serine 1731 with cysteine.
Molecular consequence: missense variant. On other transcripts: intron variant (6).
Genome position (GRCh38, 1-based): chr2:8,730,845, T>A on the plus strand (A>T on the coding strand, the complement: KIDINS220 is on the minus strand). VCF-style: chr2-8730845-T-A. GRCh37 (hg19) VCF-style: chr2-8870975-T-A.
Other names: c.5194A>T, p.Ser1732Cys (NM_001348729.2); c.5137A>T, p.Ser1713Cys (NM_001348731.2); c.5134A>T, p.Ser1712Cys (NM_001348732.2); c.5023A>T, p.Ser1675Cys (NM_001348734.2); c.5020A>T, p.Ser1674Cys (NM_001348735.2); c.4894A>T, p.Ser1632Cys (NM_001348736.2); c.3882+2599A>T (NM_001348741.2, NM_001348742.2, NM_001348743.2); c.3996+2599A>T (NM_001348738.2); and 1 more; short protein forms S1632C, S1731C, S1712C, S1675C, S1713C, S1674C, S1732C.
Identifiers: ClinVar variation 1931692 (VCV001931692.5), dbSNP rs565122779, ClinGen allele CA42327608.